The following is an entry in ClinVar:

ClinVar aggregate classification (germline): Conflicting classifications of pathogenicity. Review status: criteria provided, conflicting classifications (1 of 4 stars). 8 submissions from 8 submitters: Likely pathogenic (6); Uncertain significance (2). Last evaluated 2026-10-01.

Conditions:
WFS1-related disorder. Identifiers: MedGen CN379391, MONDO:0700293.
Wolfram syndrome 1 (WFS1). Identifiers: Orphanet 3463, MedGen C4551693, MONDO:0009101, OMIM 222300.
Wolfram-like syndrome. Also called: HEARING LOSS, PROGRESSIVE, WITH OPTIC ATROPHY AND/OR IMPAIRED GLUCOSE REGULATION. Identifiers: Orphanet 411590, MedGen C3280358, MONDO:0013673, OMIM 614296.
Cataract 41 (CTRCT41). Also called: CATARACT 41, CONGENITAL NUCLEAR TYPE. Identifiers: Orphanet 91492, Orphanet 98991, Orphanet 98992, Orphanet 98995, MedGen C3805412, MONDO:0007287, OMIM 116400.
Autosomal dominant nonsyndromic hearing loss 6 (LFSNHL). Also called: DEAFNESS, AUTOSOMAL DOMINANT 6; DEAFNESS, AUTOSOMAL DOMINANT 14; DEAFNESS, AUTOSOMAL DOMINANT 38; Autosomal dominant nonsyndromic deafness 6. Identifiers: Orphanet 90635, MedGen C1833021, MONDO:0010963, OMIM 600965.
Type 2 diabetes mellitus. Also called: Type II diabetes mellitus. Identifiers: MedGen C0011860, MeSH D003924, MONDO:0005148, OMIM 125853, HP:0005978.

Submissions (8):

GeneDx
Classification: Uncertain significance. Last evaluated: 2026-10-01. Review status: criteria provided, single submitter. Criteria: GeneDx Variant Classification Process June 2021. Collection method: clinical testing. Allele origin: germline.
Comment: In-frame deletion of 1 amino acid in a non-repeat region; In silico analysis supports a deleterious effect on protein structure/function; This variant is associated with the following publications: (PMID: 31589614, 37277527, 25211237, 40491524)

PreventionGenetics, part of Exact Sciences
Classification: Likely pathogenic for WFS1-related condition. Last evaluated: 2026-08-17. Review status: criteria provided, single submitter. Criteria: ACMG Guidelines, 2015. Collection method: clinical testing. Allele origin: germline.
Comment: The WFS1 c.577_579delAAG variant is predicted to result in an in-frame deletion (p.Lys193del). This variant has been reported in the homozygous state or with a second WFS1 variant in individuals with Wolfram syndrome and segregated with disease in affected family members (Matsunaga et al. 2014. PubMed ID: 25211237; Meisel et al. 2025. PubMed ID: 40491524). It has also been reported in the heterozygous state in an individual with WFS1-related diabetes (Li et al. 2023. PubMed ID: 37277527). This variant is reported in 0.016% of alleles in individuals of East Asian descent in gnomAD. This variant is interpreted as likely pathogenic.

Labcorp Genetics (formerly Invitae), Labcorp
Classification: Uncertain significance. Last evaluated: 2026-01-12. Review status: criteria provided, single submitter. Criteria: Invitae Variant Classification Sherloc (09022015). Collection method: clinical testing. Allele origin: germline.
Comment: This variant, c.577_579del, results in the deletion of 1 amino acid(s) of the WFS1 protein (p.Lys193del), but otherwise preserves the integrity of the reading frame. This variant is present in population databases (rs752461187, gnomAD 0.02%). This variant has been observed in individual(s) with type 2 diabetes and/or Wolfram syndrome (PMID: 25211237, 37277527). ClinVar contains an entry for this variant (Variation ID: 623222). Experimental studies and prediction algorithms are not available or were not evaluated, and the functional significance of this variant is currently unknown. In summary, the available evidence is currently insufficient to determine the role of this variant in disease. Therefore, it has been classified as a Variant of Uncertain Significance.

Blueprint Genetics
Classification: Likely pathogenic for WFS1-related disorders. Last evaluated: 2024-09-02. Review status: criteria provided, single submitter. Criteria: ACMG Guidelines, 2015. Collection method: clinical testing. Allele origin: germline. Affected: yes. Observed: 5 variant alleles.

Fulgent Genetics
Classification: Likely pathogenic for Cataract 41; Type 2 diabetes mellitus; Wolfram syndrome 1; Autosomal dominant nonsyndromic hearing loss 6; Wolfram-like syndrome. Last evaluated: 2024-03-08. Review status: criteria provided, single submitter. Criteria: ACMG Guidelines, 2015. Collection method: clinical testing. Allele origin: germline.

Laboratorio de Genetica e Diagnostico Molecular, Hospital Israelita Albert Einstein
Classification: Likely pathogenic. Last evaluated: 2020-12-20. Review status: criteria provided, single submitter. Criteria: ACMG Guidelines, 2015. Collection method: clinical testing. Allele origin: germline. Affected: yes.
Comment: ACMG classification criteria: PS4, PM2, PM3, PP1

Molecular Diagnostics Laboratory, M Health Fairview: University of Minnesota
Classification: Likely pathogenic for Wolfram syndrome 1. Last evaluated: 2018-04-09. Review status: criteria provided, single submitter. Criteria: ACMG Guidelines, 2015. Collection method: clinical testing. Allele origin: germline. Affected: yes. Observed: 1 variant allele.

Clinical Genomics, Uppaluri K&H Personalized Medicine Clinic
Classification: Likely pathogenic for Wolfram syndrome 1. Review status: criteria provided, single submitter. Criteria: K & H Uppaluri Personalized Medicine Clinic Variant Classification & Assertion Criteria_Updated V.1. Collection method: research. Allele origin: unknown. Inheritance: Autosomal recessive inheritance.
Comment: Potent mutations in WFS1 gene are associated with Wolfram's syndrome, an autosomal recessive condition, which cause diabetes mellitus, diabetes insipidus, deafness and optic atrophy. However no sufficient evidence is found to ascertain the role of this particular variant rs752461187 in Wolfram's syndrome yet.

Literature cited by the submitters: PubMed 25211237 (cited by Labcorp Genetics (formerly Invitae), Labcorp and Molecular Diagnostics Laboratory, M Health Fairview: University of Minnesota); PubMed 37277527 (cited by Labcorp Genetics (formerly Invitae), Labcorp); PubMed 20738327 (cited by Clinical Genomics, Uppaluri K&H Personalized Medicine Clinic); PubMed 33879153 (cited by Clinical Genomics, Uppaluri K&H Personalized Medicine Clinic); PubMed 12955714 (cited by Clinical Genomics, Uppaluri K&H Personalized Medicine Clinic); PubMed 18060660 (cited by Clinical Genomics, Uppaluri K&H Personalized Medicine Clinic); PubMed 20301750 (cited by Clinical Genomics, Uppaluri K&H Personalized Medicine Clinic); PubMed 17603484 (cited by Clinical Genomics, Uppaluri K&H Personalized Medicine Clinic).

NM_006005.3(WFS1):c.568AAG[3] (p.Lys193del)

Gene: WFS1 (wolframin ER transmembrane glycoprotein; plus strand). Cytogenetic location: 4p16.1.
Variant type: Microsatellite.
Coding change: c.568AAG[3] on transcript NM_006005.3 (MANE Select); three copies in a row of the 3-base unit AAG starting at c.568; the reference has four copies in a row; one copy, 3 bases deleted; also written c.577_579del.
Protein change: p.Lys193del; deletes lysine 193.
Molecular consequence: inframe deletion.
Genome position (GRCh38, 1-based): chr4:6,291,313-6,291,315, AAG deleted; deleting any 3 consecutive bases within chr4:6,291,304-6,291,315 gives the same sequence; the position shown is the placement nearest the transcript's 3' end. VCF-style (leftmost placement, unchanged base first): chr4-6291303-CAAG-C. GRCh37 (hg19) VCF-style: chr4-6293030-CAAG-C.
Other names: c.577_579del (NM_006005.3); c.568_570del (NM_006005.3); c.568AAG[3], p.Lys193del (NM_001145853.1); short protein forms K193del.
Identifiers: ClinVar variation 623222 (VCV000623222.20), dbSNP rs752461187, ClinGen allele CA2838937.